The following is an entry in ClinVar:

ClinVar aggregate classification (germline): Conflicting classifications of pathogenicity. Review status: criteria provided, conflicting classifications (1 of 4 stars). 2 submissions from 2 submitters: Likely pathogenic (1); Uncertain significance (1). Last evaluated 2024-03-05.

Conditions:
Biotin-responsive basal ganglia disease (BTBGD). Also called: Thiamine Transporter-2 Deficiency; thiamine-responsive encephalopathy; Thiamine metabolism dysfunction syndrome 2 (biotin- or thiamine-responsive encephalopathy type 2); Thiamine metabolism dysfunction syndrome type 2; THIAMINE METABOLISM DYSFUNCTION SYNDROME 2 (BIOTIN- AND THIAMINE-RESPONSIVE TYPE). Identifiers: Orphanet 199348, Orphanet 65284, MedGen C1843807, MONDO:0011841, OMIM 607483.

Submissions (2):

GeneDx
Classification: Uncertain significance. Last evaluated: 2024-03-05. Review status: criteria provided, single submitter. Criteria: GeneDx Variant Classification Process June 2021. Collection method: clinical testing. Allele origin: germline. Affected: yes.
Comment: Not observed at significant frequency in large population cohorts (gnomAD); In silico analysis supports that this missense variant has a deleterious effect on protein structure/function; This variant is associated with the following publications: (PMID: 28402605, 31557427)

Genomic Medicine Lab, University of California San Francisco
Classification: Likely pathogenic for Biotin-responsive basal ganglia disease. Last evaluated: 2019-11-14. Review status: criteria provided, single submitter. Criteria: ACMG Guidelines, 2015. Collection method: clinical testing. Allele origin: germline. Inheritance: Autosomal recessive inheritance. Affected: yes. Study: CSER-P3EGS.

NM_025243.4(SLC19A3):c.416T>A (p.Val139Glu)

Gene: SLC19A3 (solute carrier family 19 member 3; minus strand). Cytogenetic location: 2q36.3.
Variant type: single nucleotide variant.
Coding change: c.416T>A on transcript NM_025243.4 (MANE Select); coding-DNA position 416, T replaced by A.
Protein change: p.Val139Glu; replaces valine 139 with glutamic acid.
Molecular consequence: missense variant.
Genome position (GRCh38, 1-based): chr2:227,699,299, A>T on the plus strand (T>A on the coding strand, the complement: SLC19A3 is on the minus strand). VCF-style: chr2-227699299-A-T. GRCh37 (hg19) VCF-style: chr2-228564015-A-T.
Other names: c.416T>A, p.Val139Glu (NM_001371411.1, NM_001371412.1); c.404T>A, p.Val135Glu (NM_001371413.1, NM_001371414.1); c.416T>A (NM_025243.3); short protein forms V135E, V139E.
Identifiers: ClinVar variation 1065451 (VCV001065451.3), dbSNP rs1574560025, ClinGen allele CA350877257.